The following is an entry in ClinVar:

NM_001037333.3(CYFIP2):c.2460C>T (p.Phe820=)

Gene: CYFIP2 (cytoplasmic FMR1 interacting protein 2; plus strand). Cytogenetic location: 5q33.3.
Variant type: single nucleotide variant.
Coding change: c.2460C>T on transcript NM_001037333.3 (MANE Select); coding-DNA position 2460, C replaced by T.
Protein change: p.Phe820=; no amino-acid change (phenylalanine 820 retained).
Molecular consequence: synonymous variant.
Genome position (GRCh38, 1-based): chr5:157,339,131, C>T. VCF-style: chr5-157339131-C-T. GRCh37 (hg19) VCF-style: chr5-156766139-C-T.
Other names: c.2382C>T, p.Phe794= (NM_001291721.2); c.2535C>T, p.Phe845= (NM_001291722.2); c.2460C>T, p.Phe820= (NM_014376.4).
Identifiers: ClinVar variation 1618062 (VCV001618062.32), dbSNP rs761084028, ClinGen allele CA3533869.

ClinVar aggregate classification (germline): Likely benign. Review status: criteria provided, multiple submitters, no conflicts (2 of 4 stars). 3 submissions from 3 submitters: Likely benign (3). Last evaluated 2024-05-13.

Allele frequency attached by ClinVar (database versions not stated): gnomAD exomes below 0.00001; ExAC 0.00001; TOPMed 0.00002; gnomAD 0.00004.
gnomAD v4.1: 41 of 1,613,902 alleles (0.0025%); highest among the groups gnomAD compares: Non-Finnish European, 0.0029%; no homozygotes.

Submissions (3):

Labcorp Genetics (formerly Invitae), Labcorp
Classification: Likely benign. Last evaluated: 2024-05-13. Review status: criteria provided, single submitter. Criteria: Invitae Variant Classification Sherloc (09022015). Collection method: clinical testing. Allele origin: germline.

CeGaT Center for Human Genetics Tuebingen
Classification: Likely benign. Last evaluated: 2023-11-01. Review status: criteria provided, single submitter. Criteria: CeGaT Center For Human Genetics Tuebingen Variant Classification Criteria Version 2. Collection method: clinical testing. Allele origin: germline. Affected: yes. Observed: 1 variant allele.
Comment: CYFIP2: BP4, BP7

Blueprint Genetics
Classification: Likely benign. Last evaluated: 2023-06-27. Review status: criteria provided, single submitter. Criteria: ACMG Guidelines, 2015. Collection method: clinical testing. Allele origin: germline.